The following is an entry in ClinVar:

ClinVar aggregate classification (germline): Conflicting classifications of pathogenicity. Review status: criteria provided, conflicting classifications (1 of 4 stars). 2 submissions from 2 submitters: Uncertain significance (1); Likely benign (1). Last evaluated 2026-01-05.

Allele frequency attached by ClinVar (database versions not stated): gnomAD 0.00003; gnomAD exomes 0.00005; TOPMed 0.00005; ExAC 0.00008; ESP Exome Variant Server 0.00008.
gnomAD v4.1: 72 of 1,614,092 alleles (0.0045%); highest among the groups gnomAD compares: Non-Finnish European, 0.006%; no homozygotes.

Submissions (2):

Labcorp Genetics (formerly Invitae), Labcorp
Classification: Uncertain significance. Last evaluated: 2026-01-05. Review status: criteria provided, single submitter. Criteria: Invitae Variant Classification Sherloc (09022015). Collection method: clinical testing. Allele origin: germline.
Comment: This sequence change replaces glutamic acid, which is acidic and polar, with glycine, which is neutral and non-polar, at codon 2853 of the FAT2 protein (p.Glu2853Gly). This variant is present in population databases (rs370597382, gnomAD 0.02%). This variant has not been reported in the literature in individuals affected with FAT2-related conditions. ClinVar contains an entry for this variant (Variation ID: 2190746). An algorithm developed to predict the effect of missense changes on protein structure and function (PolyPhen-2) suggests that this variant is likely to be disruptive. In summary, the available evidence is currently insufficient to determine the role of this variant in disease. Therefore, it has been classified as a Variant of Uncertain Significance.

CeGaT Center for Human Genetics Tuebingen
Classification: Likely benign. Last evaluated: 2024-02-01. Review status: criteria provided, single submitter. Criteria: CeGaT Center For Human Genetics Tuebingen Variant Classification Criteria Version 2. Collection method: clinical testing. Allele origin: germline. Affected: yes. Observed: 1 variant allele.
Comment: FAT2: BP4, BS2

NM_001447.3(FAT2):c.8558A>G (p.Glu2853Gly)

Genes: FAT2 (FAT atypical cadherin 2; minus strand), SLC36A1 (solute carrier family 36 member 1; plus strand). Cytogenetic location: 5q33.1.
Variant type: single nucleotide variant.
Coding change: c.8558A>G on transcript NM_001447.3 (MANE Select); coding-DNA position 8558, A replaced by G.
Protein change: p.Glu2853Gly; replaces glutamic acid 2853 with glycine.
Molecular consequence: missense variant.
Genome position (GRCh38, 1-based): chr5:151,542,569, T>C on the plus strand (A>G on the coding strand, the complement: FAT2 is on the minus strand). VCF-style: chr5-151542569-T-C. GRCh37 (hg19) VCF-style: chr5-150922130-T-C.
Other names: short protein forms E2853G.
Identifiers: ClinVar variation 2190746 (VCV002190746.26), dbSNP rs370597382, ClinGen allele CA3520792.